The following is an entry in ClinVar:

NM_001830.4(CLCN4):c.2231G>A (p.Arg744Lys)

Gene: CLCN4 (Cl-/H+ antiporter 4; plus strand). Cytogenetic location: Xp22.2.
Variant type: single nucleotide variant.
Coding change: c.2231G>A on transcript NM_001830.4 (MANE Select); coding-DNA position 2231, G replaced by A.
Protein change: p.Arg744Lys; replaces arginine 744 with lysine.
Molecular consequence: missense variant.
Genome position (GRCh38, 1-based): chrX:10,233,532, G>A. VCF-style: chrX-10233532-G-A. GRCh37 (hg19) VCF-style: chrX-10201572-G-A.
Other names: c.1949G>A, p.Arg650Lys (NM_001256944.2); short protein forms R744K, R650K.
Identifiers: ClinVar variation 3493319 (VCV003493319.4).

ClinVar aggregate classification (germline): Uncertain significance. Review status: criteria provided, multiple submitters, no conflicts (2 of 4 stars). 3 submissions from 3 submitters: Uncertain significance (3). Last evaluated 2025-08-11.

Conditions:
Inborn genetic diseases. Identifiers: MedGen C0950123, MeSH D030342.
CLCN4-related disorder. Identifiers: MedGen CN232948.

gnomAD v4.1: 14 of 1,210,337 alleles (0.0012%); highest among the groups gnomAD compares: African/African-American, 0.0017%; no homozygotes.

Submissions (3):

Labcorp Genetics (formerly Invitae), Labcorp
Classification: Uncertain significance. Last evaluated: 2025-08-11. Review status: criteria provided, single submitter. Criteria: Invitae Variant Classification Sherloc (09022015). Collection method: clinical testing. Allele origin: germline.
Comment: This sequence change replaces arginine, which is basic and polar, with lysine, which is basic and polar, at codon 744 of the CLCN4 protein (p.Arg744Lys). This variant is not present in population databases (gnomAD no frequency). This variant has not been reported in the literature in individuals affected with CLCN4-related conditions. ClinVar contains an entry for this variant (Variation ID: 3493319). Invitae Evidence Modeling of protein sequence and biophysical properties (such as structural, functional, and spatial information, amino acid conservation, physicochemical variation, residue mobility, and thermodynamic stability) has been performed for this missense variant. However, the output from this modeling did not meet the statistical confidence thresholds required to predict the impact of this variant on CLCN4 protein function. In summary, the available evidence is currently insufficient to determine the role of this variant in disease. Therefore, it has been classified as a Variant of Uncertain Significance.

PreventionGenetics, part of Exact Sciences
Classification: Uncertain significance for CLCN4-related condition. Last evaluated: 2024-11-30. Review status: criteria provided, single submitter. Criteria: ACMG Guidelines, 2015. Collection method: clinical testing. Allele origin: germline.
Comment: The CLCN4 c.2231G>A variant is predicted to result in the amino acid substitution p.Arg744Lys. To our knowledge, this variant has not been reported in the literature or in a large population database (gnomAD), indicating this variant is rare. At this time, the clinical significance of this variant is uncertain due to the absence of conclusive functional and genetic evidence.

Ambry Genetics
Classification: Uncertain significance for Inborn genetic diseases. Last evaluated: 2024-10-25. Review status: criteria provided, single submitter. Criteria: Ambry Variant Classification Scheme 2023. Collection method: clinical testing. Allele origin: germline.